The following is an entry in ClinVar:

NM_025215.6(PUS1):c.1077G>A (p.Ala359=)

Gene: PUS1 (pseudouridine synthase 1; plus strand). Cytogenetic location: 12q24.33.
Variant type: single nucleotide variant.
Coding change: c.1077G>A on transcript NM_025215.6 (MANE Select); coding-DNA position 1077, G replaced by A.
Protein change: p.Ala359=; no amino-acid change (alanine 359 retained).
Molecular consequence: synonymous variant.
Genome position (GRCh38, 1-based): chr12:131,941,824, G>A. VCF-style: chr12-131941824-G-A. GRCh37 (hg19) VCF-style: chr12-132426369-G-A.
Other names: c.993G>A, p.Ala331= (NM_001002019.3, NM_001002020.3).
Identifiers: ClinVar variation 1129589 (VCV001129589.32), dbSNP rs143053373, ClinGen allele CA6884313.

ClinVar aggregate classification (germline): Likely benign. Review status: criteria provided, multiple submitters, no conflicts (2 of 4 stars). 2 submissions from 2 submitters: Likely benign (2). Last evaluated 2023-10-13.

Allele frequency attached by ClinVar (database versions not stated): 1000 Genomes Project 30x 0.00016; 1000 Genomes Project 0.00020.
gnomAD v4.1: 12 of 1,613,990 alleles (0.00074%); highest among the groups gnomAD compares: Admixed American, 0.0017%; no homozygotes.

Submissions (2):

Labcorp Genetics (formerly Invitae), Labcorp
Classification: Likely benign. Last evaluated: 2023-10-13. Review status: criteria provided, single submitter. Criteria: Invitae Variant Classification Sherloc (09022015). Collection method: clinical testing. Allele origin: germline.

CeGaT Center for Human Genetics Tuebingen
Classification: Likely benign. Last evaluated: 2023-08-01. Review status: criteria provided, single submitter. Criteria: CeGaT Center For Human Genetics Tuebingen Variant Classification Criteria Version 2. Collection method: clinical testing. Allele origin: germline. Affected: yes. Observed: 1 variant allele.
Comment: PUS1: BP4, BP7